The following is an entry in ClinVar:

NM_000435.3(NOTCH3):c.5323G>A (p.Ala1775Thr)

Gene: NOTCH3 (notch receptor 3; minus strand). Cytogenetic location: 19p13.12.
Variant type: single nucleotide variant.
Coding change: c.5323G>A on transcript NM_000435.3 (MANE Select); coding-DNA position 5323, G replaced by A.
Protein change: p.Ala1775Thr; replaces alanine 1775 with threonine.
Molecular consequence: missense variant.
Genome position (GRCh38, 1-based): chr19:15,167,288, C>T on the plus strand (G>A on the coding strand, the complement: NOTCH3 is on the minus strand). VCF-style: chr19-15167288-C-T. GRCh37 (hg19) VCF-style: chr19-15278099-C-T.
Other names: p.Ala1775Thr; short protein forms A1775T.
Identifiers: ClinVar variation 1515955 (VCV001515955.7), dbSNP rs139983430, ClinGen allele CA9262663.

ClinVar aggregate classification (germline): Benign/Likely benign. Review status: criteria provided, multiple submitters, no conflicts (2 of 4 stars). 2 submissions from 2 submitters: Benign (1); Likely benign (1). Last evaluated 2025-07-09.

Allele frequency attached by ClinVar (database versions not stated): gnomAD exomes 0.00003; ExAC 0.00005; ESP Exome Variant Server 0.00008; TOPMed 0.00008; gnomAD 0.00009.
gnomAD v4.1: 36 of 1,613,454 alleles (0.0022%); highest among the groups gnomAD compares: African/African-American, 0.021%; no homozygotes.

Submissions (2):

Mayo Clinic Laboratories, Mayo Clinic
Classification: Likely benign. Last evaluated: 2025-07-09. Review status: criteria provided, single submitter. Criteria: ACMG Guidelines, 2015. Collection method: clinical testing. Allele origin: germline. Observed: 1 variant allele.
Comment: BS2, BP4_moderate

Labcorp Genetics (formerly Invitae), Labcorp
Classification: Benign. Last evaluated: 2022-09-07. Review status: criteria provided, single submitter. Criteria: Invitae Variant Classification Sherloc (09022015). Collection method: clinical testing. Allele origin: germline.